The following is an entry in ClinVar:

NM_001754.5(RUNX1):c.793A>G (p.Ser265Gly)

Gene: RUNX1 (RUNX family transcription factor 1; minus strand). Cytogenetic location: 21q22.12.
Variant type: single nucleotide variant.
Coding change: c.793A>G on transcript NM_001754.5 (MANE Select); coding-DNA position 793, A replaced by G.
Protein change: p.Ser265Gly; replaces serine 265 with glycine.
Molecular consequence: missense variant.
Genome position (GRCh38, 1-based): chr21:34,834,422, T>C on the plus strand (A>G on the coding strand, the complement: RUNX1 is on the minus strand). VCF-style: chr21-34834422-T-C. GRCh37 (hg19) VCF-style: chr21-36206719-T-C.
Other names: NM_001754.5(RUNX1):c.793A>G; p.Ser265Gly; c.712A>G, p.Ser238Gly (NM_001001890.3, NM_001122607.2); short protein forms S265G, S238G.
Identifiers: ClinVar variation 3436404 (VCV003436404.2).

ClinVar aggregate classification (germline): Uncertain significance. Review status: reviewed by expert panel (3 of 4 stars). 2 submissions from 2 submitters: Uncertain significance (1). 1 of the submissions does not count toward it. Last evaluated 2025-02-25.

Conditions:
Hereditary thrombocytopenia and hematologic cancer predisposition syndrome. Identifiers: Orphanet 71290, MedGen CN281654, MONDO:0011071.
Inborn genetic diseases. Identifiers: MedGen C0950123, MeSH D030342.

Submissions (2):

ClinGen Myeloid Malignancy Variant Curation Expert Panel
Classification: Uncertain significance for Hereditary thrombocytopenia and hematologic cancer predisposition syndrome. Last evaluated: 2025-02-25. Review status: reviewed by expert panel. Criteria: ClinGen MyeloMalig ACMG Specifications v2. Collection method: curation. Allele origin: germline. Inheritance: Autosomal dominant inheritance.
Comment: NM_001754.5(RUNX1):c.793A>G (p.Ser265Gly) is a missense variant is completely absent from all population databases with at least 20x coverage for RUNX1 (PM2_Supporting). This missense variant has a REVEL score < 0.50 (0.439) and a SpliceAI score ≤ 0.20 (0.04) (BP4). In summary, the clinical significance of this variant is uncertain. ACMG/AMP criteria applied, as specified by the Myeloid Malignancy Variant Curation Expert Panel for RUNX1: PM2_Supporting, BP4.

Ambry Genetics
Classification: Uncertain significance for Inborn genetic diseases. Last evaluated: 2024-11-21. Review status: criteria provided, single submitter. Criteria: Ambry Variant Classification Scheme 2023. Collection method: clinical testing. Allele origin: germline. Not counted in ClinVar's aggregate classification.
Comment: The p.S265G variant (also known as c.793A>G), located in coding exon 6 of the RUNX1 gene, results from an A to G substitution at nucleotide position 793. The serine at codon 265 is replaced by glycine, an amino acid with similar properties. This amino acid position is conserved. In addition, the in silico prediction for this alteration is inconclusive. Based on the available evidence, the clinical significance of this variant remains unclear.